The following is an entry in ClinVar:

NM_024675.3(PALB2):c.2835-324_3202-1757dup

Gene: PALB2 (partner and localizer of BRCA2; minus strand). Cytogenetic location: 16p12.2.
Variant type: Duplication.
Coding change: c.2835-324_3202-1757dup on transcript NM_024675.3; 324 bases into the intron before coding-DNA position 2835 through 1757 bases into the intron before coding-DNA position 3202, this stretch duplicated.
Identifiers: ClinVar variation 830180 (VCV000830180.2).

ClinVar aggregate classification (germline): Pathogenic (0 of 4 stars; one submission).

Conditions:
Familial cancer of breast. Also called: BREAST CANCER, FAMILIAL; Hereditary breast cancer; hereditary breast carcinoma. Identifiers: Orphanet 227535, MedGen C0346153, MONDO:0016419, OMIM 114480. Disease mechanism: loss of function.

Submission:

Leiden Open Variation Database
Classification: Pathogenic for Familial cancer of breast. Last evaluated: 2019-05-13. Review status: no assertion criteria provided. Collection method: curation. Allele origin: germline. Affected: yes.
Comment: Curators: Marc Tischkowitz, Arleen D. Auerbach. Submitter to LOVD: Marc Tischkowitz.

Literature cited by the submitters: PubMed 24136930.